The following is an entry in ClinVar:

NM_000260.4(MYO7A):c.1232T>C (p.Val411Ala)

Gene: MYO7A (myosin VIIA; plus strand). Cytogenetic location: 11q13.5.
Variant type: single nucleotide variant.
Coding change: c.1232T>C on transcript NM_000260.4 (MANE Select); coding-DNA position 1232, T replaced by C.
Protein change: p.Val411Ala; replaces valine 411 with alanine.
Molecular consequence: missense variant.
Genome position (GRCh38, 1-based): chr11:77,161,004, T>C. VCF-style: chr11-77161004-T-C. GRCh37 (hg19) VCF-style: chr11-76872050-T-C.
Other names: c.1232T>C, p.Val411Ala (NM_001127180.2); c.1199T>C, p.Val400Ala (NM_001369365.1); short protein forms V411A, V400A.
Identifiers: ClinVar variation 43139 (VCV000043139.14), dbSNP rs369916141, ClinGen allele CA132202.

ClinVar aggregate classification (germline): Uncertain significance. Review status: criteria provided, multiple submitters, no conflicts (2 of 4 stars). 6 submissions from 6 submitters: Uncertain significance (4). 2 of the submissions do not count toward it. Last evaluated 2026-03-17.

Conditions:
Usher syndrome type 1 (USH1). Also called: RETINITIS PIGMENTOSA AND CONGENITAL DEAFNESS. Identifiers: Orphanet 231169, Orphanet 886, MedGen C1568247, MONDO:0010168, OMIM 276900.
Autosomal recessive nonsyndromic hearing loss 2. Also called: DEAFNESS, AUTOSOMAL RECESSIVE 2; NEUROSENSORY NONSYNDROMIC RECESSIVE DEAFNESS 2. Identifiers: Orphanet 90636, MedGen C1838701, MONDO:0010807, OMIM 600060.
Usher syndrome type 1B (USH1B). Also called: Usher syndrome type IB. Identifiers: MedGen C1848638, MONDO:0700087.

Allele frequency attached by ClinVar (database versions not stated): gnomAD 0.00003 and 0.00004; gnomAD exomes 0.00005; TOPMed 0.00005; ExAC 0.00008; ESP Exome Variant Server 0.00016.

Submissions (6):

GeneDx
Classification: Uncertain significance. Last evaluated: 2026-03-17. Review status: criteria provided, single submitter. Criteria: GeneDx Variant Classification Process June 2021. Collection method: clinical testing. Allele origin: germline.
Comment: Observed heterozygous with no second MYO7A variant in individuals with retinitis pigmentosa or hearing loss in published literature (PMID: 20146813, 26164827); In silico analysis supports that this missense variant has a deleterious effect on protein structure/function; This variant is associated with the following publications: (PMID: 26164827, 20146813, 36515421, 33297549, 33229591)

Blueprint Genetics
Classification: Uncertain significance. Last evaluated: 2024-11-12. Review status: criteria provided, single submitter. Criteria: ACMG Guidelines, 2015. Collection method: clinical testing. Allele origin: germline.

Labcorp Genetics (formerly Invitae), Labcorp
Classification: Uncertain significance. Last evaluated: 2024-09-18. Review status: criteria provided, single submitter. Criteria: Invitae Variant Classification Sherloc (09022015). Collection method: clinical testing. Allele origin: germline.
Comment: This sequence change replaces valine, which is neutral and non-polar, with alanine, which is neutral and non-polar, at codon 411 of the MYO7A protein (p.Val411Ala). This variant is present in population databases (rs369916141, gnomAD 0.01%). This missense change has been observed in individual(s) with deafness and/or retinitis pigmentosa (PMID: 26164827, 33297549, 36515421). ClinVar contains an entry for this variant (Variation ID: 43139). Invitae Evidence Modeling of protein sequence and biophysical properties (such as structural, functional, and spatial information, amino acid conservation, physicochemical variation, residue mobility, and thermodynamic stability) indicates that this missense variant is expected to disrupt MYO7A protein function with a positive predictive value of 95%. In summary, the available evidence is currently insufficient to determine the role of this variant in disease. Therefore, it has been classified as a Variant of Uncertain Significance.

Laboratory for Molecular Medicine, Mass General Brigham Personalized Medicine
Classification: Uncertain significance. Last evaluated: 2017-06-23. Review status: criteria provided, single submitter. Criteria: LMM Criteria. Collection method: clinical testing. Allele origin: germline. Observed: 2 variant alleles.
Comment: The p.Val411Ala variant in MYO7A has been reported in 1 individual with autosoma l recessive hearing loss and 1 individual with unilateral hearing loss, however a second variant in MYO7A was not detected in either individual (Kothiyal 2010, LMM unpublished data, ClinVar Variation ID 43139). In addition, the variant was reported in 1 individual with autosomal dominant retinitis pigmentosa, however t his individual carried another variant that was more likely responsible for the disease (Sujirakul 2015). This variant has also been identified in 4/34106 Latin o chromosomes and 3/23546 African chromosomes by the Genome Aggregation Database (gnomAD; dbSNP rs369916141); however this fre quency is not high enough to rule out a pathogenic role. Computational predictio n tools and conservation analysis suggest that the variant may impact the protei n, though this information is not predictive enough to determine pathogenicity. In summary, the clinical significance of the p.Val411Ala variant is uncertain.

Natera, Inc.
Classification: Uncertain significance for Usher syndrome type 1B. Last evaluated: 2020-09-16. Review status: no assertion criteria provided. Collection method: clinical testing. Allele origin: germline. Not counted in ClinVar's aggregate classification.

Counsyl
Classification: Uncertain significance for Usher syndrome type 1; Autosomal recessive nonsyndromic hearing loss 2. Last evaluated: 2017-02-23. Review status: no assertion criteria provided. Collection method: clinical testing. Allele origin: unknown. Not counted in ClinVar's aggregate classification.

Literature cited by the submitters: PubMed 26164827 (cited by 3 submitters); PubMed 33297549 (cited by Labcorp Genetics (formerly Invitae), Labcorp); PubMed 36515421 (cited by Labcorp Genetics (formerly Invitae), Labcorp); PubMed 20146813 (cited by Laboratory for Molecular Medicine, Mass General Brigham Personalized Medicine).